The following is an entry in ClinVar:

ClinVar aggregate classification (germline): Uncertain significance (1 of 4 stars; one submission).

Allele frequency attached by ClinVar (database versions not stated): gnomAD exomes below 0.00001.
gnomAD v4.1: 2 of 1,614,158 alleles (0.00012%); highest among the groups gnomAD compares: Admixed American, 0.0033%; no homozygotes.

Submission:

GeneDx
Classification: Uncertain significance. Last evaluated: 2022-08-26. Review status: criteria provided, single submitter. Criteria: GeneDx Variant Classification Process June 2021. Collection method: clinical testing. Allele origin: germline. Affected: yes.
Comment: In silico analysis supports that this missense variant does not alter protein structure/function; Has not been previously published as pathogenic or benign to our knowledge

NM_001365088.1(SLC12A6):c.2485C>G (p.Leu829Val)

Genes: SLC12A6 (solute carrier family 12 member 6; minus strand), LOC126862097 (P300/CBP strongly-dependent group 1 enhancer GRCh37_chr15:34531007-34532206; plus strand). Cytogenetic location: 15q14.
Variant type: single nucleotide variant.
Coding change: c.2485C>G on transcript NM_001365088.1 (MANE Select); coding-DNA position 2485, C replaced by G.
Protein change: p.Leu829Val; replaces leucine 829 with valine.
Molecular consequence: missense variant.
Genome position (GRCh38, 1-based): chr15:34,239,112, G>C on the plus strand (C>G on the coding strand, the complement: SLC12A6 is on the minus strand). VCF-style: chr15-34239112-G-C. GRCh37 (hg19) VCF-style: chr15-34531313-G-C.
Other names: c.2308C>G, p.Leu770Val (NM_001042494.2, NM_001042495.2); c.2458C>G, p.Leu820Val (NM_001042496.2); c.2440C>G, p.Leu814Val (NM_001042497.2); c.2332C>G, p.Leu778Val (NM_005135.2); c.2485C>G, p.Leu829Val (NM_133647.2); short protein forms L770V, L778V, L814V, L820V, L829V.
Identifiers: ClinVar variation 2430497 (VCV002430497.1), dbSNP rs1301006285, ClinGen allele CA391619414.